The following is an entry in ClinVar:

ClinVar aggregate classification (germline): Pathogenic (1 of 4 stars; one submission).

Conditions:
Frontotemporal dementia and/or amyotrophic lateral sclerosis 1 (FTDALS1). Also called: C9orf72 Frontotemporal Dementia and/or Amyotrophic Lateral Sclerosis; Frontotemporal dementia with motor neuron disease 1. Identifiers: Orphanet 275872, MedGen C5779877, MONDO:0007105, OMIM 105550.
Paget disease of bone 2, early-onset (PDB2). Also called: Paget disease of bone 2. Identifiers: MedGen C4085251, MONDO:0011183, OMIM 602080.

Allele frequency attached by ClinVar (database versions not stated): TOPMed below 0.00001.

Submission:

Labcorp Genetics (formerly Invitae), Labcorp
Classification: Pathogenic for Paget disease of bone 2, early-onset; Frontotemporal dementia and/or amyotrophic lateral sclerosis 1. Last evaluated: 2023-01-18. Review status: criteria provided, single submitter. Criteria: Invitae Variant Classification Sherloc (09022015). Collection method: clinical testing. Allele origin: germline.
Comment: This sequence change creates a premature translational stop signal (p.Gln371*) in the SQSTM1 gene. It is expected to result in an absent or disrupted protein product. Loss-of-function variants in SQSTM1 are known to be pathogenic (PMID: 27545679, 29959261). This variant is not present in population databases (gnomAD no frequency). This variant has not been reported in the literature in individuals affected with SQSTM1-related conditions. For these reasons, this variant has been classified as Pathogenic.

Literature cited by the submitters: PubMed 27545679; PubMed 29959261.

NM_003900.5(SQSTM1):c.1111C>T (p.Gln371Ter)

Gene: SQSTM1 (sequestosome 1; plus strand). Cytogenetic location: 5q35.3.
Variant type: single nucleotide variant.
Coding change: c.1111C>T on transcript NM_003900.5 (MANE Select); coding-DNA position 1111, C replaced by T.
Protein change: p.Gln371Ter; replaces glutamine 371 with a stop codon.
Molecular consequence: nonsense.
Genome position (GRCh38, 1-based): chr5:179,833,728, C>T. VCF-style: chr5-179833728-C-T. GRCh37 (hg19) VCF-style: chr5-179260728-C-T.
Other names: c.859C>T, p.Gln287Ter (NM_001142298.2, NM_001142299.2); short protein forms Q287*, Q371*.
Identifiers: ClinVar variation 2943392 (VCV002943392.3), dbSNP rs1261101487, ClinGen allele CA362452937.